The following is an entry in ClinVar:

NM_001184.4(ATR):c.842T>A (p.Val281Glu)

Gene: ATR (ATR checkpoint kinase; minus strand). Cytogenetic location: 3q23.
Variant type: single nucleotide variant.
Coding change: c.842T>A on transcript NM_001184.4 (MANE Select); coding-DNA position 842, T replaced by A.
Protein change: p.Val281Glu; replaces valine 281 with glutamic acid.
Molecular consequence: missense variant.
Genome position (GRCh38, 1-based): chr3:142,562,560, A>T on the plus strand (T>A on the coding strand, the complement: ATR is on the minus strand). VCF-style: chr3-142562560-A-T. GRCh37 (hg19) VCF-style: chr3-142281402-A-T.
Other names: c.842T>A, p.Val281Glu (NM_001354579.2); short protein forms V281E.
Identifiers: ClinVar variation 1763353 (VCV001763353.23), dbSNP rs2473426885, ClinGen allele CA354825302.

ClinVar aggregate classification (germline): Uncertain significance. Review status: criteria provided, multiple submitters, no conflicts (2 of 4 stars). 2 submissions from 2 submitters: Uncertain significance (2). Last evaluated 2024-03-01.

Conditions:
Inborn genetic diseases. Identifiers: MedGen C0950123, MeSH D030342.

Submissions (2):

CeGaT Center for Human Genetics Tuebingen
Classification: Uncertain significance. Last evaluated: 2024-03-01. Review status: criteria provided, single submitter. Criteria: CeGaT Center For Human Genetics Tuebingen Variant Classification Criteria Version 2. Collection method: clinical testing. Allele origin: germline. Affected: yes. Observed: 1 variant allele.
Comment: ATR: PM2, BP4

Ambry Genetics
Classification: Uncertain significance for Inborn genetic diseases. Last evaluated: 2022-02-03. Review status: criteria provided, single submitter. Criteria: Ambry Variant Classification Scheme 2023. Collection method: clinical testing. Allele origin: germline.
Comment: The p.V281E variant (also known as c.842T>A), located in coding exon 4 of the ATR gene, results from a T to A substitution at nucleotide position 842. The valine at codon 281 is replaced by glutamic acid, an amino acid with dissimilar properties. This amino acid position is conserved. In addition, this alteration is predicted to be tolerated by in silico analysis. Since supporting evidence is limited at this time, the clinical significance of this alteration remains unclear.